The following is an entry in ClinVar:

ClinVar aggregate classification (germline): Uncertain significance (1 of 4 stars; one submission).

Conditions:
Agammaglobulinemia 4, autosomal recessive (AGM4). Also called: B cell linker protein deficiency; AGAMMAGLOBULINEMIA, AUTOSOMAL RECESSIVE, DUE TO BLNK DEFECT. Identifiers: MedGen C3150752, MONDO:0013289, OMIM 613502.

Allele frequency attached by ClinVar (database versions not stated): ExAC 0.00002; gnomAD exomes 0.00002; TOPMed 0.00003; gnomAD 0.00006.
gnomAD v4.1: 35 of 1,613,952 alleles (0.0022%); highest among the groups gnomAD compares: East Asian, 0.016%; no homozygotes.

Submission:

Labcorp Genetics (formerly Invitae), Labcorp
Classification: Uncertain significance for Agammaglobulinemia 4, autosomal recessive. Last evaluated: 2022-07-09. Review status: criteria provided, single submitter. Criteria: Invitae Variant Classification Sherloc (09022015). Collection method: clinical testing. Allele origin: germline.
Comment: This sequence change replaces threonine, which is neutral and polar, with methionine, which is neutral and non-polar, at codon 253 of the BLNK protein (p.Thr253Met). This variant is present in population databases (rs782667010, gnomAD 0.03%). This variant has not been reported in the literature in individuals affected with BLNK-related conditions. Algorithms developed to predict the effect of missense changes on protein structure and function output the following: SIFT: "Tolerated"; PolyPhen-2: "Benign"; Align-GVGD: "Class C0". The methionine amino acid residue is found in multiple mammalian species, which suggests that this missense change does not adversely affect protein function. In summary, the available evidence is currently insufficient to determine the role of this variant in disease. Therefore, it has been classified as a Variant of Uncertain Significance.

NM_013314.4(BLNK):c.758C>T (p.Thr253Met)

Gene: BLNK (B cell linker; minus strand). Cytogenetic location: 10q24.1.
Variant type: single nucleotide variant.
Coding change: c.758C>T on transcript NM_013314.4 (MANE Select); coding-DNA position 758, C replaced by T.
Protein change: p.Thr253Met; replaces threonine 253 with methionine.
Molecular consequence: missense variant. On other transcripts: non-coding transcript variant (4).
Genome position (GRCh38, 1-based): chr10:96,207,888, G>A on the plus strand (C>T on the coding strand, the complement: BLNK is on the minus strand). VCF-style: chr10-96207888-G-A. GRCh37 (hg19) VCF-style: chr10-97967644-G-A.
Other names: c.689C>T, p.Thr230Met (NM_001114094.2, NM_001258441.2); c.758C>T, p.Thr253Met (NM_001258440.2); c.443C>T, p.Thr148Met (NM_001258442.2); short protein forms T148M, T230M, T253M.
Identifiers: ClinVar variation 1940859 (VCV001940859.4), dbSNP rs782667010, ClinGen allele CA5623326.